The following is an entry in ClinVar:

NM_001220.5(CAMK2B):c.1060-3C>T

Gene: CAMK2B (calcium/calmodulin dependent protein kinase II beta; minus strand). Cytogenetic location: 7p13.
Variant type: single nucleotide variant.
Coding change: c.1060-3C>T on transcript NM_001220.5 (MANE Select); 3 bases into the intron before coding-DNA position 1060, C replaced by T.
Molecular consequence: intron variant.
Genome position (GRCh38, 1-based): chr7:44,234,464, G>A on the plus strand (C>T on the coding strand, the complement: CAMK2B is on the minus strand). VCF-style: chr7-44234464-G-A. GRCh37 (hg19) VCF-style: chr7-44274063-G-A.
Other names: c.946+6243C>T (NM_172084.3); c.985-3C>T (NM_172080.3); c.987+175C>T (NM_172083.3); c.988-3C>T (NM_172081.3, NM_172079.3); c.1059+175C>T (NM_172082.3); c.1060-3C>T (NM_001293170.2, NM_172078.3).
Identifiers: ClinVar variation 3391550 (VCV003391550.2).
Genomic context (GRCh38, chr7:44,234,464, plus strand): 5'-GAAGCGTCCCTTTGGGGCTGGTGGCGGCTGCACTGTTTTTGGTGCTATTCGTCTGGGGCT[G>A]TGGAGAGAGGGAAGAGGAACTCTTAGGTGGGAGAAGCCCCTCACTCGCCATTCCCTGTCC-3'

ClinVar aggregate classification (germline): Uncertain significance (1 of 4 stars; one submission).

Submission:

GeneDx
Classification: Uncertain significance. Last evaluated: 2026-07-08. Review status: criteria provided, single submitter. Criteria: GeneDx Variant Classification Process June 2021. Collection method: clinical testing. Allele origin: germline.
Comment: Not observed at significant frequency in large population cohorts (gnomAD); Has not been previously published as pathogenic or benign to our knowledge; In silico analysis is inconclusive as to whether the variant alters gene splicing. In the absence of RNA/functional studies, the actual effect of this sequence change is unknown.